The following is an entry in ClinVar:

ClinVar aggregate classification (germline): Likely benign. Review status: criteria provided, multiple submitters, no conflicts (2 of 4 stars). 3 submissions from 3 submitters: Likely benign (3). Last evaluated 2026-02-01.

Allele frequency attached by ClinVar (database versions not stated): TOPMed 0.00001; gnomAD exomes 0.00002; gnomAD 0.00003; ExAC 0.00004; ESP Exome Variant Server 0.00008.
gnomAD v4.1: 32 of 1,613,514 alleles (0.002%); highest among the groups gnomAD compares: African/African-American, 0.004%; no homozygotes.

Submissions (3):

CeGaT Center for Human Genetics Tuebingen
Classification: Likely benign. Last evaluated: 2026-02-01. Review status: criteria provided, single submitter. Criteria: CeGaT Center For Human Genetics Tuebingen Variant Classification Criteria Version 2. Collection method: clinical testing. Allele origin: germline. Affected: yes. Observed: 1 variant allele.
Comment: OSBPL2: BP4, BP7

Blueprint Genetics
Classification: Likely benign. Last evaluated: 2024-03-11. Review status: criteria provided, single submitter. Criteria: ACMG Guidelines, 2015. Collection method: clinical testing. Allele origin: germline.

Laboratory for Molecular Medicine, Mass General Brigham Personalized Medicine
Classification: Likely benign. Last evaluated: 2017-12-21. Review status: criteria provided, single submitter. Criteria: LMM Criteria. Collection method: clinical testing. Allele origin: germline. Observed: 1 variant allele.
Comment: p.Ala10Ala in exon 2 of OSBPL2: This variant is not expected to have clinical si gnificance because it does not alter an amino acid residue and is not located wi thin the splice consensus sequence. It has been identified in 6/246102 of all ch romosomes in several populations by the Genome Aggregation Database (gnomAD; dbSNP rs374275739). ACMG/AMP criteria applied: BP 7

NM_144498.4(OSBPL2):c.30C>T (p.Ala10=)

Gene: OSBPL2 (oxysterol binding protein like 2; plus strand). Cytogenetic location: 20q13.33.
Variant type: single nucleotide variant.
Coding change: c.30C>T on transcript NM_144498.4 (MANE Select); coding-DNA position 30, C replaced by T.
Protein change: p.Ala10=; no amino-acid change (alanine 10 retained).
Molecular consequence: synonymous variant. On other transcripts: 5 prime UTR variant (2).
Genome position (GRCh38, 1-based): chr20:62,256,214, C>T. VCF-style: chr20-62256214-C-T. GRCh37 (hg19) VCF-style: chr20-60831270-C-T.
Other names: c.-192C>T (NM_001278649.3); c.-337C>T (NM_001363878.2); c.30C>T, p.Ala10= (NM_014835.5).
Identifiers: ClinVar variation 517582 (VCV000517582.10), dbSNP rs374275739, ClinGen allele CA9938304.